The following is an entry in ClinVar:

ClinVar aggregate classification (germline): Uncertain significance (1 of 4 stars; one submission).

Submission:

GeneDx
Classification: Uncertain significance. Last evaluated: 2024-11-20. Review status: criteria provided, single submitter. Criteria: GeneDx Variant Classification Process June 2021. Collection method: clinical testing. Allele origin: germline. Affected: yes.
Comment: Not observed at significant frequency in large population cohorts (gnomAD); In silico analysis supports that this missense variant has a deleterious effect on protein structure/function; In silico analysis supports a deleterious effect on splicing; Has not been previously published as pathogenic or benign to our knowledge

NM_001270974.2(HYDIN):c.4193A>G (p.Gln1398Arg)

Genes: HYDIN (HYDIN axonemal central pair apparatus protein; minus strand), LOC121587554 (CDK7 strongly-dependent group 2 enhancer GRCh37_chr16:71020999-71022198; plus strand). Cytogenetic location: 16q22.2.
Variant type: single nucleotide variant.
Coding change: c.4193A>G on transcript NM_001270974.2 (MANE Select); coding-DNA position 4193, A replaced by G.
Protein change: p.Gln1398Arg; replaces glutamine 1398 with arginine.
Molecular consequence: missense variant.
Genome position (GRCh38, 1-based): chr16:70,987,925, T>C on the plus strand (A>G on the coding strand, the complement: HYDIN is on the minus strand). VCF-style: chr16-70987925-T-C. GRCh37 (hg19) VCF-style: chr16-71021828-T-C.
Other names: short protein forms Q1398R.
Identifiers: ClinVar variation 3900352 (VCV003900352.1).